The following is an entry in ClinVar:

NM_014672.4(PRORP):c.228G>A (p.Lys76=)

Genes: PRORP (protein only RNase P catalytic subunit; plus strand), PRORP-PSMA6 (PRORP-PSMA6 readthrough; plus strand). Cytogenetic location: 14q13.2.
Variant type: single nucleotide variant.
Coding change: c.228G>A on transcript NM_014672.4 (MANE Select); coding-DNA position 228, G replaced by A.
Protein change: p.Lys76=; no amino-acid change (lysine 76 retained).
Molecular consequence: synonymous variant. On other transcripts: non-coding transcript variant (4), intron variant (3).
Genome position (GRCh38, 1-based): chr14:35,123,473, G>A. VCF-style: chr14-35123473-G-A. GRCh37 (hg19) VCF-style: chr14-35592679-G-A.
Other names: c.228G>A, p.Lys76= (NM_001256678.2, NM_001414503.1); c.-131+563G>A (NM_001256680.2); c.-83+563G>A (NM_001256681.2); c.-26-32G>A (NM_001256679.2).
Identifiers: ClinVar variation 2644164 (VCV002644164.25), dbSNP rs45583337, ClinGen allele CA7154671.

ClinVar aggregate classification (germline): Likely benign. Review status: criteria provided, multiple submitters, no conflicts (2 of 4 stars). 2 submissions from 2 submitters: Likely benign (2). Last evaluated 2026-01-01.

Allele frequency attached by ClinVar (database versions not stated): 1000 Genomes Project 0.00060; 1000 Genomes Project 30x 0.00125; TOPMed 0.00244; gnomAD 0.00270; ESP Exome Variant Server 0.00331; ExAC 0.00335.
gnomAD v4.1: 6,544 of 1,614,150 alleles (0.41%); highest among the groups gnomAD compares: Non-Finnish European, 0.49%; 15 homozygotes.

Submissions (2):

CeGaT Center for Human Genetics Tuebingen
Classification: Likely benign. Last evaluated: 2026-01-01. Review status: criteria provided, single submitter. Criteria: CeGaT Center For Human Genetics Tuebingen Variant Classification Criteria Version 2. Collection method: clinical testing. Allele origin: germline. Affected: yes. Observed: 6 variant alleles.
Comment: PRORP: BP4, BP7, BS2

Blueprint Genetics
Classification: Likely benign. Last evaluated: 2024-11-21. Review status: criteria provided, single submitter. Criteria: ACMG Guidelines, 2015. Collection method: clinical testing. Allele origin: germline.